The following is an entry in ClinVar:

ClinVar aggregate classification (germline): Uncertain significance (1 of 4 stars; one submission).

Conditions:
Hereditary cancer-predisposing syndrome. Also called: Neoplastic Syndromes, Hereditary; Tumor predisposition; Hereditary Cancer Syndrome; Hereditary neoplastic syndrome. Identifiers: Orphanet 140162, MedGen C0027672, MeSH D009386, MONDO:0015356.

Submission:

Ambry Genetics
Classification: Uncertain significance for Hereditary cancer-predisposing syndrome. Last evaluated: 2025-07-19. Review status: criteria provided, single submitter. Criteria: Ambry Variant Classification Scheme 2023. Collection method: clinical testing. Allele origin: germline.
Comment: The p.A296T variant (also known as c.886G>A), located in coding exon 9 of the SMARCE1 gene, results from a G to A substitution at nucleotide position 886. The alanine at codon 296 is replaced by threonine, an amino acid with similar properties. This amino acid position is conserved. In addition, this alteration is predicted to be tolerated by in silico analysis. Based on the available evidence, the clinical significance of this variant remains unclear.

NM_003079.5(SMARCE1):c.886G>A (p.Ala296Thr)

Gene: SMARCE1 (SWI/SNF related BAF chromatin remodeling complex subunit E1; minus strand). Cytogenetic location: 17q21.2.
Variant type: single nucleotide variant.
Coding change: c.886G>A on transcript NM_003079.5 (MANE Select); coding-DNA position 886, G replaced by A.
Protein change: p.Ala296Thr; replaces alanine 296 with threonine.
Molecular consequence: missense variant.
Genome position (GRCh38, 1-based): chr17:40,630,855, C>T on the plus strand (G>A on the coding strand, the complement: SMARCE1 is on the minus strand). VCF-style: chr17-40630855-C-T. GRCh37 (hg19) VCF-style: chr17-38787107-C-T.
Other names: short protein forms A296T.
Identifiers: ClinVar variation 4170321 (VCV004170321.1).